The following is an entry in ClinVar:

ClinVar aggregate classification (germline): Uncertain significance. Review status: criteria provided, multiple submitters, no conflicts (2 of 4 stars). 5 submissions from 5 submitters: Uncertain significance (4). 1 of the submissions does not count toward it. Last evaluated 2023-12-14.

Conditions:
Autosomal recessive congenital ichthyosis 2 (ARCI2). Identifiers: Orphanet 281122, Orphanet 79394, MedGen C3888093, MONDO:0009439, OMIM 242100.

Allele frequency attached by ClinVar (database versions not stated): 1000 Genomes Project 30x 0.00016; 1000 Genomes Project 0.00020; gnomAD 0.00034 and 0.00049; ExAC 0.00036; ESP Exome Variant Server 0.00038; TOPMed 0.00067.
gnomAD v4.1: 447 of 1,613,976 alleles (0.028%); highest among the groups gnomAD compares: Middle Eastern, 0.082%; no homozygotes.

Submissions (5):

Women's Health and Genetics/Laboratory Corporation of America, LabCorp
Classification: Uncertain significance. Last evaluated: 2023-12-14. Review status: criteria provided, single submitter. Criteria: LabCorp Variant Classification Summary - May 2015. Collection method: clinical testing. Allele origin: germline.
Comment: Variant summary: ALOX12B c.526G>A (p.Glu176Lys) results in a conservative amino acid change located in the Lipoxygenase, C-terminal domain (IPR013819) of the encoded protein sequence. Three of five in-silico tools predict a benign effect of the variant on protein function. Consensus agreement among computation tools predict no significant impact on normal splicing. However, these predictions have yet to be confirmed by functional studies. The variant allele was found at a frequency of 0.00033 in 251140 control chromosomes (gnomAD). This frequency is not significantly higher than estimated for a pathogenic variant in ALOX12B causing Lamellar Ichthyosis (0.00033 vs 0.0009), allowing no conclusion about variant significance. c.526G>A has been reported in the literature in two homozygous individuals affected with congenital Ichthyosis (example: Hotz_2021), however one individual was also homozygous for a pathogenic variant in ALOXE3 (c.1193C>T/p.Ser398phe). To our knowledge, no experimental evidence demonstrating an impact on protein function has been reported. The following publications have been ascertained in the context of this evaluation (PMID: 33435499, 35052464, 26863999). Three submitters have cited clinical-significance assessments for this variant to ClinVar after 2014 and classified the variant as pathogenic (n=1) and VUS (n=2). Based on the evidence outlined above, the variant was classified as uncertain significance.

Department of Pathology and Laboratory Medicine, Sinai Health System
Classification: Uncertain significance for autosomal recessive congenital ichthyosis 2. Last evaluated: 2022-11-29. Review status: criteria provided, single submitter. Criteria: ACMG Guidelines, 2015. Collection method: research. Allele origin: germline.

Labcorp Genetics (formerly Invitae), Labcorp
Classification: Uncertain significance. Last evaluated: 2021-12-22. Review status: criteria provided, single submitter. Criteria: Invitae Variant Classification Sherloc (09022015). Collection method: clinical testing. Allele origin: germline.
Comment: This sequence change replaces glutamic acid, which is acidic and polar, with lysine, which is basic and polar, at codon 176 of the ALOX12B protein (p.Glu176Lys). This variant is present in population databases (rs149039053, gnomAD 0.05%). This variant has not been reported in the literature in individuals affected with ALOX12B-related conditions. ClinVar contains an entry for this variant (Variation ID: 325890). Algorithms developed to predict the effect of missense changes on protein structure and function (SIFT, PolyPhen-2, Align-GVGD) all suggest that this variant is likely to be tolerated. In summary, the available evidence is currently insufficient to determine the role of this variant in disease. Therefore, it has been classified as a Variant of Uncertain Significance.

Illumina Laboratory Services, Illumina
Classification: Uncertain significance for Autosomal recessive congenital ichthyosis 2. Last evaluated: 2018-01-13. Review status: criteria provided, single submitter. Criteria: ICSL Variant Classification Criteria 13 December 2019. Collection method: clinical testing. Allele origin: germline.

Institute for Human Genetics, University Medical Center Freiburg
Classification: Pathogenic for Autosomal recessive congenital ichthyosis 2. Last evaluated: 2021-01-07. Review status: no assertion criteria provided. Collection method: clinical testing. Allele origin: unknown. Affected: yes. Not counted in ClinVar's aggregate classification.

Literature cited by the submitters: PubMed 33435499 (cited by Women's Health and Genetics/Laboratory Corporation of America, LabCorp); PubMed 35052464 (cited by Women's Health and Genetics/Laboratory Corporation of America, LabCorp); PubMed 26863999 (cited by Women's Health and Genetics/Laboratory Corporation of America, LabCorp).

NM_001139.3(ALOX12B):c.526G>A (p.Glu176Lys)

Gene: ALOX12B (arachidonate 12-lipoxygenase, 12R type; minus strand). Cytogenetic location: 17p13.1.
Variant type: single nucleotide variant.
Coding change: c.526G>A on transcript NM_001139.3 (MANE Select); coding-DNA position 526, G replaced by A.
Protein change: p.Glu176Lys; replaces glutamic acid 176 with lysine.
Molecular consequence: missense variant.
Genome position (GRCh38, 1-based): chr17:8,080,885, C>T on the plus strand (G>A on the coding strand, the complement: ALOX12B is on the minus strand). VCF-style: chr17-8080885-C-T. GRCh37 (hg19) VCF-style: chr17-7984203-C-T.
Other names: c.526G>A, p.Glu176Lys (LRG_1264t1); short protein forms E176K.
Identifiers: ClinVar variation 325890 (VCV000325890.11), dbSNP rs149039053, ClinGen allele CA8367643.